The following is an entry in ClinVar:

ClinVar aggregate classification (germline): Pathogenic. Review status: criteria provided, multiple submitters, no conflicts (2 of 4 stars). 2 submissions from 2 submitters: Pathogenic (2). Last evaluated 2026-08-25.

Conditions:
Stickler syndrome. Identifiers: Orphanet 828, MedGen C0265253, MONDO:0019354.

Submissions (2):

Cambridge Genomics Laboratory, East Genomic Laboratory Hub, NHS Genomic Medicine Service
Classification: Pathogenic for Stickler syndrome. Last evaluated: 2026-08-25. Review status: criteria provided, single submitter. Criteria: ACGS Best Practice Guidelines for Variant Classification in Rare Disease 2020. Collection method: clinical testing. Allele origin: germline. Affected: yes.
Comment: PVS1,PM2

Labcorp Genetics (formerly Invitae), Labcorp
Classification: Pathogenic. Last evaluated: 2023-08-27. Review status: criteria provided, single submitter. Criteria: Invitae Variant Classification Sherloc (09022015). Collection method: clinical testing. Allele origin: germline.
Comment: For these reasons, this variant has been classified as Pathogenic. This variant has not been reported in the literature in individuals affected with COL2A1-related conditions. This variant is not present in population databases (gnomAD no frequency). This sequence change creates a premature translational stop signal (p.Leu1236Profs*17) in the COL2A1 gene. It is expected to result in an absent or disrupted protein product. Loss-of-function variants in COL2A1 are known to be pathogenic (PMID: 20179744).

Literature cited by the submitters: PubMed 20179744 (cited by Labcorp Genetics (formerly Invitae), Labcorp).

NM_001844.5(COL2A1):c.3706dup (p.Leu1236fs)

Gene: COL2A1 (collagen type II alpha 1 chain; minus strand). Cytogenetic location: 12q13.11.
Variant type: Duplication.
Coding change: c.3706dup on transcript NM_001844.5 (MANE Select); coding-DNA position 3706, one base duplicated (C; older notation c.3706dupC).
Protein change: p.Leu1236fs; shifts the reading frame from leucine 1236.
Molecular consequence: frameshift variant.
Genome position (GRCh38, 1-based): chr12:47,975,497, G duplicated on the plus strand (C on the coding strand, the reverse complement: COL2A1 is on the minus strand); the first of 5 consecutive G bases (chr12:47,975,497-47,975,501); duplicating any one gives the same sequence. VCF-style (leftmost placement, unchanged base first): chr12-47975496-A-AG. GRCh37 (hg19) VCF-style: chr12-48369279-A-AG.
Other names: c.3499dup, p.Leu1167fs (NM_033150.3); short protein forms L1236fs, L1167fs.
Identifiers: ClinVar variation 2721495 (VCV002721495.4), dbSNP rs2136511970, ClinGen allele CA2697559175.